The following is an entry in ClinVar:

NM_016495.6(TBC1D7):c.434T>G (p.Val145Gly)

Genes: TBC1D7 (TBC1 domain family member 7; minus strand), TBC1D7-LOC100130357 (TBC1D7-LOC100130357 readthrough; minus strand). Cytogenetic location: 6p24.1.
Variant type: single nucleotide variant.
Coding change: c.434T>G on transcript NM_016495.6 (MANE Select); coding-DNA position 434, T replaced by G.
Protein change: p.Val145Gly; replaces valine 145 with glycine.
Molecular consequence: missense variant. On other transcripts: non-coding transcript variant (1), intron variant (1).
Genome position (GRCh38, 1-based): chr6:13,316,656, A>C on the plus strand (T>G on the coding strand, the complement: TBC1D7 is on the minus strand). VCF-style: chr6-13316656-A-C. GRCh37 (hg19) VCF-style: chr6-13316888-A-C.
Other names: c.434T>G, p.Val145Gly (NM_001318809.2, NM_001143964.4, NM_001143965.4 and 1 more transcripts); c.353T>G, p.Val118Gly (NM_001143966.4); c.381+4252T>G (NM_001258457.3); short protein forms V118G, V145G.
Identifiers: ClinVar variation 2768201 (VCV002768201.3), dbSNP rs2480533741, ClinGen allele CA362781177.

ClinVar aggregate classification (germline): Uncertain significance (1 of 4 stars; one submission).

Submission:

Labcorp Genetics (formerly Invitae), Labcorp
Classification: Uncertain significance. Last evaluated: 2024-02-22. Review status: criteria provided, single submitter. Criteria: Invitae Variant Classification Sherloc (09022015). Collection method: clinical testing. Allele origin: germline.
Comment: This sequence change replaces valine, which is neutral and non-polar, with glycine, which is neutral and non-polar, at codon 145 of the TBC1D7 protein (p.Val145Gly). This variant is not present in population databases (gnomAD no frequency). This variant has not been reported in the literature in individuals affected with TBC1D7-related conditions. An algorithm developed to predict the effect of missense changes on protein structure and function (PolyPhen-2) suggests that this variant is likely to be disruptive. In summary, the available evidence is currently insufficient to determine the role of this variant in disease. Therefore, it has been classified as a Variant of Uncertain Significance.